The following is an entry in ClinVar:

ClinVar aggregate classification (germline): Uncertain significance (1 of 4 stars; one submission).

Conditions:
Intellectual developmental disorder, X-linked 1. Also called: Atkin Flaitz Patil Smith syndrome; MENTAL RETARDATION, X-LINKED 18; MENTAL RETARDATION, X-LINKED 78; Intellectual disability, X-linked 1. Identifiers: Orphanet 777, MedGen C2931498, MONDO:0010656, OMIM 309530.

Submission:

Labcorp Genetics (formerly Invitae), Labcorp
Classification: Uncertain significance for Intellectual developmental disorder, X-linked 1. Last evaluated: 2021-08-13. Review status: criteria provided, single submitter. Criteria: Invitae Variant Classification Sherloc (09022015). Collection method: clinical testing. Allele origin: germline.
Comment: This sequence change replaces alanine with serine at codon 1121 of the IQSEC2 protein (p.Ala1121Ser). The alanine residue is weakly conserved and there is a moderate physicochemical difference between alanine and serine. This variant is not present in population databases (ExAC no frequency). This missense change has been observed in individual(s) with seizures and developmental delay (Invitae). Algorithms developed to predict the effect of missense changes on protein structure and function (SIFT, PolyPhen-2, Align-GVGD) all suggest that this variant is likely to be tolerated. In summary, the available evidence is currently insufficient to determine the role of this variant in disease. Therefore, it has been classified as a Variant of Uncertain Significance.

NM_001111125.3(IQSEC2):c.3361G>T (p.Ala1121Ser)

Gene: IQSEC2 (IQ motif and Sec7 domain ArfGEF 2; minus strand). Cytogenetic location: Xp11.22.
Variant type: single nucleotide variant.
Coding change: c.3361G>T on transcript NM_001111125.3 (MANE Select); coding-DNA position 3361, G replaced by T.
Protein change: p.Ala1121Ser; replaces alanine 1121 with serine.
Molecular consequence: missense variant.
Genome position (GRCh38, 1-based): chrX:53,236,412, C>A on the plus strand (G>T on the coding strand, the complement: IQSEC2 is on the minus strand). VCF-style: chrX-53236412-C-A. GRCh37 (hg19) VCF-style: chrX-53265594-C-A.
Other names: c.2746G>T, p.Ala916Ser (NM_015075.2); short protein forms A1121S, A916S.
Identifiers: ClinVar variation 863305 (VCV000863305.7), dbSNP rs2074131194, ClinGen allele CA413144783.